The following is an entry in ClinVar:

NM_004100.5(EYA4):c.288T>C (p.Leu96=)

Genes: EYA4 (EYA transcriptional coactivator and phosphatase 4; plus strand), EYA4-AS2 (EYA4 antisense RNA 2; minus strand). Cytogenetic location: 6q23.2.
Variant type: single nucleotide variant.
Coding change: c.288T>C on transcript NM_004100.5 (MANE Select); coding-DNA position 288, T replaced by C.
Protein change: p.Leu96=; no amino-acid change (leucine 96 retained).
Molecular consequence: synonymous variant. On other transcripts: intron variant (2).
Genome position (GRCh38, 1-based): chr6:133,456,566, T>C. VCF-style: chr6-133456566-T-C. GRCh37 (hg19) VCF-style: chr6-133777704-T-C.
Other names: c.288T>C, p.Leu96= (NM_001301013.2, NM_172105.4); c.219T>C, p.Leu73= (NM_001370458.1, NM_172103.4); c.209-4548T>C (NM_001370459.1, NM_001301012.2).
Identifiers: ClinVar variation 2578068 (VCV002578068.1), dbSNP rs2534464885, ClinGen allele CA452186137.

ClinVar aggregate classification (germline): Uncertain significance (1 of 4 stars; one submission).

Submission:

GeneDx
Classification: Uncertain significance. Last evaluated: 2023-02-28. Review status: criteria provided, single submitter. Criteria: GeneDx Variant Classification Process June 2021. Collection method: clinical testing. Allele origin: germline. Affected: yes.
Comment: Not observed at significant frequency in large population cohorts (gnomAD); In silico analysis supports that this variant does not alter splicing; Has not been previously published as pathogenic or benign to our knowledge